The following is an entry in ClinVar:

NM_006393.3(NEBL):c.232A>G (p.Lys78Glu)

Gene: NEBL (nebulette; minus strand). Cytogenetic location: 10p12.31.
Variant type: single nucleotide variant.
Coding change: c.232A>G on transcript NM_006393.3 (MANE Select); coding-DNA position 232, A replaced by G.
Protein change: p.Lys78Glu; replaces lysine 78 with glutamic acid.
Molecular consequence: missense variant. On other transcripts: intron variant (9).
Genome position (GRCh38, 1-based): chr10:20,889,871, T>C on the plus strand (A>G on the coding strand, the complement: NEBL is on the minus strand). VCF-style: chr10-20889871-T-C. GRCh37 (hg19) VCF-style: chr10-21178800-T-C.
Other names: c.249+71801A>G (NM_001377326.1, NM_001377327.1, NM_001377328.1); c.357+71801A>G (NM_213569.2, NM_001173484.2, NM_001377322.1); c.300+71801A>G (NM_001377324.1); c.291+71801A>G (NM_001377325.1); c.309+71801A>G (NM_001377323.1); short protein forms K78E.
Identifiers: ClinVar variation 3878616 (VCV003878616.1).
Genomic context (GRCh38, chr10:20,889,871, plus strand): 5'-ATGCAAGCCAGTTTGCAAGCTTTTGATACCTTACCTCAGAAATAAAAGCACCGATATTTT[T>C]TACATGGTTTAGCATAGGACTGTCAGTCACAAATGTACACTTATCCTTGGACTTTTTAAA-3'
Protein context (NP_006384.1, residues 68-88): VTDSPMLNHV[Lys78Glu]NIGAFISEAK

ClinVar aggregate classification (germline): Uncertain significance (1 of 4 stars; one submission).

Submission:

Ambry Genetics
Classification: Uncertain significance. Last evaluated: 2025-01-10. Review status: criteria provided, single submitter. Criteria: Ambry Variant Classification Scheme 2023. Collection method: clinical testing. Allele origin: germline.
Comment: The p.K78E variant (also known as c.232A>G), located in coding exon 3 of the NEBL gene, results from an A to G substitution at nucleotide position 232. The lysine at codon 78 is replaced by glutamic acid, an amino acid with similar properties. This amino acid position is conserved. In addition, the in silico prediction for this alteration is inconclusive. Based on the available evidence, the clinical significance of this variant remains unclear.